The following is an entry in ClinVar:

NM_001394062.1(MACF1):c.12774G>A (p.Glu4258=)

Gene: MACF1 (microtubule actin crosslinking factor 1; plus strand). Cytogenetic location: 1p34.3.
Variant type: single nucleotide variant.
Coding change: c.12774G>A on transcript NM_001394062.1 (MANE Select); coding-DNA position 12774, G replaced by A.
Protein change: p.Glu4258=; no amino-acid change (glutamic acid 4258 retained).
Molecular consequence: synonymous variant.
Genome position (GRCh38, 1-based): chr1:39,368,150, G>A. VCF-style: chr1-39368150-G-A. GRCh37 (hg19) VCF-style: chr1-39833822-G-A.
Other names: c.6588G>A, p.Glu2196= (NM_012090.5).
Identifiers: ClinVar variation 4873264 (VCV004873264.3).

ClinVar aggregate classification (germline): Likely benign. Review status: criteria provided, multiple submitters, no conflicts (2 of 4 stars). 2 submissions from 2 submitters: Likely benign (2). Last evaluated 2026-05-01.

gnomAD v4.1: 3 of 1,613,660 alleles (0.00019%); highest among the groups gnomAD compares: Middle Eastern, 0.049%; no homozygotes.

Submissions (2):

CeGaT Center for Human Genetics Tuebingen
Classification: Likely benign. Last evaluated: 2026-05-01. Review status: criteria provided, single submitter. Criteria: CeGaT Center For Human Genetics Tuebingen Variant Classification Criteria Version 2. Collection method: clinical testing. Allele origin: germline. Affected: yes. Observed: 1 variant allele.
Comment: MACF1: BP4, BP7

Blueprint Genetics
Classification: Likely benign. Last evaluated: 2024-01-16. Review status: criteria provided, single submitter. Criteria: ACMG Guidelines, 2015. Collection method: clinical testing. Allele origin: germline.